The following is an entry in ClinVar:

NM_003737.4(DCHS1):c.4849C>A (p.Leu1617Met)

Gene: DCHS1 (dachsous cadherin-related 1; minus strand). Cytogenetic location: 11p15.4.
Variant type: single nucleotide variant.
Coding change: c.4849C>A on transcript NM_003737.4 (MANE Select); coding-DNA position 4849, C replaced by A.
Protein change: p.Leu1617Met; replaces leucine 1617 with methionine.
Molecular consequence: missense variant.
Genome position (GRCh38, 1-based): chr11:6,629,858, G>T on the plus strand (C>A on the coding strand, the complement: DCHS1 is on the minus strand). VCF-style: chr11-6629858-G-T. GRCh37 (hg19) VCF-style: chr11-6651089-G-T.
Other names: short protein forms L1617M.
Identifiers: ClinVar variation 3632857 (VCV003632857.2).
Genomic context (GRCh38, chr11:6,629,858, plus strand): 5'-CGGTCAGGACCTGCGTGGCCGAGCGCGGCGGGGAGCCGTGGTCTGAGGCCACCACTGTCA[G>T]TACGTGCTCAGCTCGTTGTTCGCGGTCCAACGGCCGCACCACGGACAGCGCTCCTAGGTG-3'
Protein context (NP_003728.1, residues 1607-1627): LDREQRAEHV[Leu1617Met]TVVASDHGSP

ClinVar aggregate classification (germline): Uncertain significance (1 of 4 stars; one submission).

Submission:

Labcorp Genetics (formerly Invitae), Labcorp
Classification: Uncertain significance. Last evaluated: 2024-04-10. Review status: criteria provided, single submitter. Criteria: Invitae Variant Classification Sherloc (09022015). Collection method: clinical testing. Allele origin: germline.
Comment: This sequence change replaces leucine, which is neutral and non-polar, with methionine, which is neutral and non-polar, at codon 1617 of the DCHS1 protein (p.Leu1617Met). This variant is not present in population databases (gnomAD no frequency). This variant has not been reported in the literature in individuals affected with DCHS1-related conditions. Advanced modeling of protein sequence and biophysical properties (such as structural, functional, and spatial information, amino acid conservation, physicochemical variation, residue mobility, and thermodynamic stability) performed at Invitae indicates that this missense variant is not expected to disrupt DCHS1 protein function with a negative predictive value of 80%. In summary, the available evidence is currently insufficient to determine the role of this variant in disease. Therefore, it has been classified as a Variant of Uncertain Significance.